The following is an entry in ClinVar:

ClinVar aggregate classification (germline): Conflicting classifications of pathogenicity. Review status: criteria provided, conflicting classifications (1 of 4 stars). 9 submissions from 9 submitters: Uncertain significance (1); Benign (3); Likely benign (5). Last evaluated 2026-01-26.

Conditions:
Idiopathic Pulmonary Fibrosis. Also called: Idiopathic fibrosing alveolitis, chronic form; idiopathic fibrosing alveolitis. Identifiers: Orphanet 2032, MedGen C1800706, MeSH D054990, MONDO:0800504.
Dyskeratosis congenita, autosomal dominant 2. Identifiers: MedGen C3151443, MONDO:0013521, OMIM 613989.
Dyskeratosis congenita. Identifiers: Orphanet 1775, MedGen C0265965, MONDO:0015780.
Acute myeloid leukemia (AML). Also called: Acute myeloid leukemia, adult; AML adult; Acute non-lymphocytic leukemia; Acute granulocytic leukemia; Leukemia, acute myelogenous, somatic; Leukemia, acute myeloid, somatic. Identifiers: Orphanet 519, MedGen C0023467, MeSH D015470, MONDO:0018874, OMIM 601626, HP:0004808. Disease mechanism: Constitutively activated FLT3.

Allele frequency attached by ClinVar (database versions not stated): gnomAD exomes 0.00010 and 0.00026; ExAC 0.00030; 1000 Genomes Project 30x 0.00078; 1000 Genomes Project 0.00080; gnomAD 0.00110 and 0.00118; ESP Exome Variant Server 0.00112; TOPMed 0.00148.
gnomAD v4.1: 320 of 1,613,886 alleles (0.02%); highest among the groups gnomAD compares: African/African-American, 0.33%; no homozygotes.

Submissions (9):

Labcorp Genetics (formerly Invitae), Labcorp
Classification: Benign for Dyskeratosis congenita, autosomal dominant 2; Idiopathic Pulmonary Fibrosis. Last evaluated: 2026-01-26. Review status: criteria provided, single submitter. Criteria: Invitae Variant Classification Sherloc (09022015). Collection method: clinical testing. Allele origin: germline.

Mayo Clinic Laboratories, Mayo Clinic
Classification: Likely benign. Last evaluated: 2025-01-01. Review status: criteria provided, single submitter. Criteria: ACMG Guidelines, 2015. Collection method: clinical testing. Allele origin: germline. Observed: 3 variant alleles.
Comment: BS1, BP4, BP7

ARUP Laboratories, Molecular Genetics and Genomics, ARUP Laboratories
Classification: Benign. Last evaluated: 2024-02-06. Review status: criteria provided, single submitter. Criteria: ARUP Molecular Germline Variant Investigation Process 2024. Collection method: clinical testing. Allele origin: germline.

KCCC/NGS Laboratory, Kuwait Cancer Control Center
Classification: Benign for Acute myeloid leukemia. Last evaluated: 2023-07-07. Review status: criteria provided, single submitter. Criteria: ACMG Guidelines, 2015. Collection method: clinical testing. Allele origin: germline. Affected: yes.

Blueprint Genetics
Classification: Likely benign. Last evaluated: 2023-05-24. Review status: criteria provided, single submitter. Criteria: ACMG Guidelines, 2015. Collection method: clinical testing. Allele origin: germline.

Sema4
Classification: Likely benign for Dyskeratosis congenita. Last evaluated: 2021-10-20. Review status: criteria provided, single submitter. Criteria: Sema4 Curation Guidelines. Collection method: curation. Allele origin: germline.

Eurofins Ntd Llc (ga)
Classification: Uncertain significance. Last evaluated: 2018-04-02. Review status: criteria provided, single submitter. Criteria: EGL ClinVar v180209 classification definitions. Collection method: clinical testing. Allele origin: germline. Observed: 1 variant allele, 1 heterozygote.

Genetic Services Laboratory, University of Chicago
Classification: Likely benign. Last evaluated: 2017-04-07. Review status: criteria provided, single submitter. Criteria: ACMG Guidelines, 2015. Collection method: clinical testing. Allele origin: germline. Affected: no.

Ambry Genetics
Classification: Likely benign for Dyskeratosis congenita. Last evaluated: 2016-11-03. Review status: criteria provided, single submitter. Criteria: Ambry Variant Classification Scheme 2023. Collection method: clinical testing. Allele origin: germline.

NM_198253.3(TERT):c.2769G>A (p.Pro923=)

Gene: TERT (telomerase reverse transcriptase; minus strand). Cytogenetic location: 5p15.33.
Variant type: single nucleotide variant.
Coding change: c.2769G>A on transcript NM_198253.3 (MANE Select); coding-DNA position 2769, G replaced by A.
Protein change: p.Pro923=; no amino-acid change (proline 923 retained).
Molecular consequence: synonymous variant. On other transcripts: intron variant (1).
Genome position (GRCh38, 1-based): chr5:1,264,478, C>T on the plus strand (G>A on the coding strand, the complement: TERT is on the minus strand). VCF-style: chr5-1264478-C-T. GRCh37 (hg19) VCF-style: chr5-1264593-C-T.
Other names: p.Pro923=; c.2654+1986G>A (NM_001193376.3).
Identifiers: ClinVar variation 242229 (VCV000242229.26), dbSNP rs200174990, ClinGen allele CA3184401.